The following is an entry in ClinVar:

NM_000257.4(MYH7):c.733-14T>C

Gene: MYH7 (myosin heavy chain 7; minus strand). Cytogenetic location: 14q11.2.
Variant type: single nucleotide variant.
Coding change: c.733-14T>C on transcript NM_000257.4 (MANE Select); 14 bases into the intron before coding-DNA position 733, T replaced by C.
Molecular consequence: intron variant.
Genome position (GRCh38, 1-based): chr14:23,431,495, A>G on the plus strand (T>C on the coding strand, the complement: MYH7 is on the minus strand). VCF-style: chr14-23431495-A-G. GRCh37 (hg19) VCF-style: chr14-23900704-A-G.
Other names: c.733-14T>C (NM_001407004.1).
Identifiers: ClinVar variation 3074349 (VCV003074349.2), dbSNP rs2502312278, ClinGen allele CA2624251166.

ClinVar aggregate classification (germline): Likely benign. Review status: criteria provided, multiple submitters, no conflicts (2 of 4 stars). 2 submissions from 2 submitters: Likely benign (2). Last evaluated 2023-11-02.

Conditions:
Cardiomyopathy (CMYO). Also called: Cardiomyopathies. Identifiers: Orphanet 167848, MedGen C0878544, MONDO:0004994, HP:0001638. Inheritance: Various modes of inheritance.

Allele frequency attached by ClinVar (database versions not stated): gnomAD exomes below 0.00001.

Submissions (2):

All of Us Research Program, National Institutes of Health
Classification: Likely benign for Cardiomyopathy. Last evaluated: 2023-11-02. Review status: criteria provided, single submitter. Criteria: ACMG Guidelines, 2015. Collection method: clinical testing. Allele origin: germline. Inheritance: Autosomal dominant inheritance. Observed: 1 variant allele, 1 heterozygote.
Comment: This study involves interpretation of variants in research participants for the purpose of population health screening. Participant phenotype was not available at the time of variant classification. Additional details can be found in publication PMID: 35346344, PMCID: PMC8962531

Color Diagnostics, LLC DBA Color Health
Classification: Likely benign for Cardiomyopathy. Last evaluated: 2023-10-13. Review status: criteria provided, single submitter. Criteria: ACMG Guidelines, 2015. Collection method: clinical testing. Allele origin: germline.